The following is an entry in ClinVar:

ClinVar aggregate classification (germline): Uncertain significance (1 of 4 stars; one submission).

Conditions:
Inborn genetic diseases. Identifiers: MedGen C0950123, MeSH D030342.

Submission:

Ambry Genetics
Classification: Uncertain significance for Inborn genetic diseases. Last evaluated: 2018-06-13. Review status: criteria provided, single submitter. Criteria: Ambry Variant Classification Scheme 2023. Collection method: clinical testing. Allele origin: germline.
Comment: The p.L247F variant (also known as c.739C>T), located in coding exon 5 of the CHRNB2 gene, results from a C to T substitution at nucleotide position 739. The leucine at codon 247 is replaced by phenylalanine, an amino acid with highly similar properties. This amino acid position is highly conserved in available vertebrate species. In addition, this alteration is predicted to be deleterious by in silico analysis. Since supporting evidence is limited at this time, the clinical significance of this alteration remains unclear.

NM_000748.3(CHRNB2):c.739C>T (p.Leu247Phe)

Gene: CHRNB2 (cholinergic receptor nicotinic beta 2 subunit; plus strand). Cytogenetic location: 1q21.3.
Variant type: single nucleotide variant.
Coding change: c.739C>T on transcript NM_000748.3 (MANE Select); coding-DNA position 739, C replaced by T.
Protein change: p.Leu247Phe; replaces leucine 247 with phenylalanine.
Molecular consequence: missense variant.
Genome position (GRCh38, 1-based): chr1:154,571,562, C>T. VCF-style: chr1-154571562-C-T. GRCh37 (hg19) VCF-style: chr1-154544038-C-T.
Other names: short protein forms L247F.
Identifiers: ClinVar variation 1758699 (VCV001758699.2), dbSNP rs2526369751, ClinGen allele CA342630733.
Genomic context (GRCh38, chr1:154,571,562, plus strand): 5'-GACTTCATCATTCGCCGCAAGCCGCTCTTCTACACCATCAACCTCATCATCCCCTGTGTG[C>T]TCATCACCTCGCTAGCCATCCTTGTCTTCTACCTGCCATCCGACTGTGGCGAGAAGATGA-3'
Protein context (NP_000739.1, residues 237-257): YTINLIIPCV[Leu247Phe]ITSLAILVFY